The following is an entry in ClinVar:

NM_032843.5(FIBCD1):c.831G>A (p.Thr277=)

Gene: FIBCD1 (fibrinogen C domain containing 1; minus strand). Cytogenetic location: 9q34.12.
Variant type: single nucleotide variant.
Coding change: c.831G>A on transcript NM_032843.5 (MANE Select); coding-DNA position 831, G replaced by A.
Protein change: p.Thr277=; no amino-acid change (threonine 277 retained).
Molecular consequence: synonymous variant.
Genome position (GRCh38, 1-based): chr9:130,923,762, C>T on the plus strand (G>A on the coding strand, the complement: FIBCD1 is on the minus strand). VCF-style: chr9-130923762-C-T. GRCh37 (hg19) VCF-style: chr9-133799149-C-T.
Other names: c.831G>A, p.Thr277= (NM_001145106.2).
Identifiers: ClinVar variation 2659617 (VCV002659617.24), dbSNP rs780297070, ClinGen allele CA5286392.

ClinVar aggregate classification (germline): Likely benign (1 of 4 stars; one submission).

Allele frequency attached by ClinVar (database versions not stated): TOPMed below 0.00001; gnomAD 0.00001; ExAC 0.00003; gnomAD exomes 0.00003.

Submission:

CeGaT Center for Human Genetics Tuebingen
Classification: Likely benign. Last evaluated: 2023-01-01. Review status: criteria provided, single submitter. Criteria: CeGaT Center For Human Genetics Tuebingen Variant Classification Criteria Version 2. Collection method: clinical testing. Allele origin: germline. Affected: yes. Observed: 1 variant allele.
Comment: FIBCD1: BP4, BP7